The following is an entry in ClinVar:

ClinVar aggregate classification (germline): Benign/Likely benign. Review status: criteria provided, multiple submitters, no conflicts (2 of 4 stars). 5 submissions from 5 submitters: Benign (1); Likely benign (3). 1 of the submissions does not count toward it. Last evaluated 2026-01-27.

Conditions:
Hypertrophic cardiomyopathy. Also called: HYPERTROPHIC MYOCARDIOPATHY. Identifiers: Orphanet 217569, MedGen C0007194, MeSH D002312, MONDO:0005045, HP:0001639.
MYOM1-related disorder.

Allele frequency attached by ClinVar (database versions not stated): 1000 Genomes Project 0.00020; 1000 Genomes Project 30x 0.00031; ExAC 0.00031; ESP Exome Variant Server 0.00096; gnomAD 0.00125 and 0.00139; TOPMed 0.00130.
gnomAD v4.1: 351 of 1,613,862 alleles (0.022%); highest among the groups gnomAD compares: African/African-American, 0.4%; 2 homozygotes.

Submissions (5):

Labcorp Genetics (formerly Invitae), Labcorp
Classification: Benign for Hypertrophic cardiomyopathy. Last evaluated: 2026-01-27. Review status: criteria provided, single submitter. Criteria: Invitae Variant Classification Sherloc (09022015). Collection method: clinical testing. Allele origin: germline.

Ambry Genetics
Classification: Likely benign. Last evaluated: 2022-02-11. Review status: criteria provided, single submitter. Criteria: Ambry Variant Classification Scheme 2023. Collection method: clinical testing. Allele origin: germline.

Laboratory for Molecular Medicine, Mass General Brigham Personalized Medicine
Classification: Likely benign. Last evaluated: 2016-06-20. Review status: criteria provided, single submitter. Criteria: LMM Criteria. Collection method: clinical testing. Allele origin: germline. Observed: 1 variant allele.
Comment: p.Tyr39Tyr in exon 2 of MYOM1: This variant is not expected to have clinical sig nificance because it does not alter an amino acid residue and is not located wit hin the splice consensus sequence. It has been identified in 0.4% (33/9420) of A frican chromosomes by the Exome Aggregation Consortium (ExAC; dbSNP rs375113650).

Breakthrough Genomics
Classification: Likely benign. Review status: criteria provided, single submitter. Criteria: ACMG Guidelines, 2015. Collection method: not provided. Allele origin: germline. Inheritance: Unknown mechanism. Affected: yes.

PreventionGenetics, part of Exact Sciences
Classification: Likely benign for MYOM1-related condition. Last evaluated: 2019-02-19. Review status: no assertion criteria provided. Collection method: clinical testing. Allele origin: germline. Not counted in ClinVar's aggregate classification.
Comment: This variant is classified as likely benign based on ACMG/AMP sequence variant interpretation guidelines (Richards et al. 2015 PMID: 25741868, with internal and published modifications).

NM_003803.4(MYOM1):c.117C>T (p.Tyr39=)

Gene: MYOM1 (myomesin 1; minus strand). Cytogenetic location: 18p11.31.
Variant type: single nucleotide variant.
Coding change: c.117C>T on transcript NM_003803.4 (MANE Select); coding-DNA position 117, C replaced by T.
Protein change: p.Tyr39=; no amino-acid change (tyrosine 39 retained).
Molecular consequence: synonymous variant.
Genome position (GRCh38, 1-based): chr18:3,215,107, G>A on the plus strand (C>T on the coding strand, the complement: MYOM1 is on the minus strand). VCF-style: chr18-3215107-G-A. GRCh37 (hg19) VCF-style: chr18-3215105-G-A.
Other names: c.117C>T, p.Tyr39= (NM_019856.2).
Identifiers: ClinVar variation 454426 (VCV000454426.21), dbSNP rs375113650, ClinGen allele CA8875356.